The following is an entry in ClinVar:

ClinVar aggregate classification (germline): Conflicting classifications of pathogenicity. Review status: criteria provided, conflicting classifications (1 of 4 stars). 2 submissions from 2 submitters: Pathogenic (1); Uncertain significance (1). Last evaluated 2024-08-21.

gnomAD v4.1: 3 of 1,607,086 alleles (0.00019%); highest among the groups gnomAD compares: Non-Finnish European, 0.00025%; no homozygotes.

Submissions (2):

Women's Health and Genetics/Laboratory Corporation of America, LabCorp
Classification: Uncertain significance. Last evaluated: 2024-08-21. Review status: criteria provided, single submitter. Criteria: LabCorp Variant Classification Summary - May 2015. Collection method: clinical testing. Allele origin: germline.
Comment: Variant summary: BCKDHB c.704G>A (p.Cys235Tyr) results in a non-conservative amino acid change located in the Transketolase-like, pyrimidine-binding domain (IPR005475) of the encoded protein sequence. Five of five in-silico tools predict a damaging effect of the variant on protein function. The frequency data for this variant in gnomAD is considered unreliable, as metrics indicate poor data quality at this position. c.704G>A has been reported in the literature in compound heterozygous individuals affected with Maple Syrup Urine Disease (e.g. Nguyen_2020, Strauss_2020). These data indicate that the variant may be associated with disease. To our knowledge, no experimental evidence demonstrating an impact on protein function has been reported. The following publications have been ascertained in the context of this evaluation (PMID: 32515140, 31980395). ClinVar contains an entry for this variant (Variation ID: 1695162). Based on the evidence outlined above, the variant was classified as VUS-possibly pathogenic.

CeGaT Center for Human Genetics Tuebingen
Classification: Pathogenic. Last evaluated: 2022-04-01. Review status: criteria provided, single submitter. Criteria: CeGaT Center For Human Genetics Tuebingen Variant Classification Criteria Version 2. Collection method: clinical testing. Allele origin: germline. Affected: yes. Observed: 1 variant allele.
Comment: BCKDHB: PP4:Strong, PM1, PM2, PM3, PP3

Literature cited by the submitters: PubMed 31980395 (cited by Women's Health and Genetics/Laboratory Corporation of America, LabCorp); PubMed 32515140 (cited by Women's Health and Genetics/Laboratory Corporation of America, LabCorp).

NM_183050.4(BCKDHB):c.704G>A (p.Cys235Tyr)

Gene: BCKDHB (branched chain keto acid dehydrogenase E1 subunit beta; plus strand). Cytogenetic location: 6q14.1.
Variant type: single nucleotide variant.
Coding change: c.704G>A on transcript NM_183050.4 (MANE Select); coding-DNA position 704, G replaced by A.
Protein change: p.Cys235Tyr; replaces cysteine 235 with tyrosine.
Molecular consequence: missense variant. On other transcripts: non-coding transcript variant (1).
Genome position (GRCh38, 1-based): chr6:80,171,352, G>A. VCF-style: chr6-80171352-G-A. GRCh37 (hg19) VCF-style: chr6-80881069-G-A.
Other names: c.704G>A, p.Cys235Tyr (NM_000056.5); c.494G>A, p.Cys165Tyr (NM_001318975.1); short protein forms C165Y, C235Y.
Identifiers: ClinVar variation 1695162 (VCV001695162.33), dbSNP rs911181994, ClinGen allele CA364658701.